The following is an entry in ClinVar:

ClinVar aggregate classification (germline): Pathogenic (1 of 4 stars; one submission).

Conditions:
Asphyxiating thoracic dystrophy 3. Also called: Saldino-Noonan Syndrome; SHORT-RIB THORACIC DYSPLASIA 3 WITH OR WITHOUT POLYDACTYLY; POLYDACTYLY WITH NEONATAL CHONDRODYSTROPHY, TYPE I; SHORT-RIB THORACIC DYSPLASIA 3/6 WITH POLYDACTYLY, DIGENIC; Short rib polydactyly syndrome 2B. Identifiers: Orphanet 474, Orphanet 93269, Orphanet 93270, Orphanet 93271, MedGen C0036069, MONDO:0013127, OMIM 613091.

gnomAD v4.1: 3 of 1,612,854 alleles (0.00019%); highest among the groups gnomAD compares: African/African-American, 0.0013%; no homozygotes.

Submission:

Myriad Genetics, Inc.
Classification: Pathogenic for Asphyxiating thoracic dystrophy 3. Last evaluated: 2024-09-29. Review status: criteria provided, single submitter. Criteria: Myriad Autosomal Dominant, Autosomal Recessive and X-Linked Classification Criteria (2023). Collection method: clinical testing. Allele origin: unknown.
Comment: NM_001377.2(DYNC2H1):c.4534G>T(E1512*) is expected to be pathogenic in the context of DYNC2H1-related disorders. This variant is predicted to lead to an abnormal or absent protein product due to the creation of a premature termination codon in DYNC2H1, a gene where loss-of-function variants are known to be pathogenic. Please note: this variant was assessed in the context of healthy population screening.

NM_001377.3(DYNC2H1):c.4534G>T (p.Glu1512Ter)

Gene: DYNC2H1 (dynein cytoplasmic 2 heavy chain 1; plus strand). Cytogenetic location: 11q22.3.
Variant type: single nucleotide variant.
Coding change: c.4534G>T on transcript NM_001377.3 (MANE Select); coding-DNA position 4534, G replaced by T.
Protein change: p.Glu1512Ter; replaces glutamic acid 1512 with a stop codon.
Molecular consequence: nonsense.
Genome position (GRCh38, 1-based): chr11:103,163,070, G>T. VCF-style: chr11-103163070-G-T. GRCh37 (hg19) VCF-style: chr11-103033799-G-T.
Other names: c.4534G>T, p.Glu1512Ter (NM_001080463.2); short protein forms E1512*.
Identifiers: ClinVar variation 5013591 (VCV005013591.1).